The following is an entry in ClinVar:

ClinVar aggregate classification (germline): Uncertain significance (1 of 4 stars; one submission).

Conditions:
Pierpont syndrome (PRPTS). Identifiers: Orphanet 487825, MedGen C1865644, MONDO:0011213, OMIM 602342.

Submission:

Labcorp Genetics (formerly Invitae), Labcorp
Classification: Uncertain significance for Pierpont syndrome. Last evaluated: 2021-08-28. Review status: criteria provided, single submitter. Criteria: Invitae Variant Classification Sherloc (09022015). Collection method: clinical testing. Allele origin: germline.
Comment: This sequence change replaces arginine with glycine at codon 95 of the TBL1XR1 protein (p.Arg95Gly). The arginine residue is highly conserved and there is a moderate physicochemical difference between arginine and glycine. This variant is not present in population databases (ExAC no frequency). This variant has not been reported in the literature in individuals affected with TBL1XR1-related conditions. Algorithms developed to predict the effect of missense changes on protein structure and function are either unavailable or do not agree on the potential impact of this missense change (SIFT: "Deleterious"; PolyPhen-2: "Possibly Damaging"; Align-GVGD: "Class C0"). In summary, the available evidence is currently insufficient to determine the role of this variant in disease. Therefore, it has been classified as a Variant of Uncertain Significance.

NM_024665.7(TBL1XR1):c.283A>G (p.Arg95Gly)

Gene: TBL1XR1 (TBL1X/Y related 1; minus strand). Cytogenetic location: 3q26.32.
Variant type: single nucleotide variant.
Coding change: c.283A>G on transcript NM_024665.7 (MANE Select); coding-DNA position 283, A replaced by G.
Protein change: p.Arg95Gly; replaces arginine 95 with glycine.
Molecular consequence: missense variant.
Genome position (GRCh38, 1-based): chr3:177,051,648, T>C on the plus strand (A>G on the coding strand, the complement: TBL1XR1 is on the minus strand). VCF-style: chr3-177051648-T-C. GRCh37 (hg19) VCF-style: chr3-176769436-T-C.
Other names: c.283A>G, p.Arg95Gly (NM_001321193.3, NM_001321194.3, NM_001374327.1 and 2 more transcripts); c.22A>G, p.Arg8Gly (NM_001321195.3, NM_001374330.1); short protein forms R8G, R95G.
Identifiers: ClinVar variation 1413930 (VCV001413930.6), dbSNP rs2108497148, ClinGen allele CA355553343.
Genomic context (GRCh38, chr3:177,051,648, plus strand): 5'-CGGCAGCTGCAGCAGCTGCTGCCTGTTGCTGTGCAAGCTTATCTCTATAAGCTTGTTGTC[T>C]TGTTTGTACTACATCAGGCATTACGGCATCTATCAGGGACAGAGACTCTATTGGTCGACC-3'
Protein context (NP_078941.2, residues 85-105): DAVMPDVVQT[Arg95Gly]QQAYRDKLAQ